The following is an entry in ClinVar:

ClinVar aggregate classification (germline): Pathogenic (1 of 4 stars; one submission).

Conditions:
Androgen resistance syndrome (AIS). Also called: Androgen insensitivity, complete; DIHYDROTESTOSTERONE RECEPTOR DEFICIENCY; Androgen insensitivity syndrome due to coactivator deficiency; Androgen insensitivity; TESTICULAR FEMINIZATION SYNDROME; ANDROGEN RECEPTOR DEFICIENCY. Identifiers: Orphanet 754, Orphanet 99429, MedGen C0039585, MONDO:0019154, OMIM 300068. Disease mechanism: loss of function.
Kennedy disease (SMAX1). Also called: KENNEDY SPINAL AND BULBAR MUSCULAR ATROPHY; SPINAL AND BULBAR MUSCULAR ATROPHY, X-LINKED 1; Spinal and Bulbar Muscular Atrophy. Identifiers: Orphanet 481, MedGen C1839259, MONDO:0010735, OMIM 313200.

Submission:

Labcorp Genetics (formerly Invitae), Labcorp
Classification: Pathogenic for Kennedy disease; Androgen resistance syndrome. Last evaluated: 2018-07-11. Review status: criteria provided, single submitter. Criteria: Invitae Variant Classification Sherloc (09022015). Collection method: clinical testing. Allele origin: germline.
Comment: For these reasons, this variant has been classified as Pathogenic. Loss-of-function variants in AR are known to be pathogenic (PMID: 19463997). This variant has not been reported in the literature in individuals with AR-related disease. This variant is not present in population databases (ExAC no frequency). This sequence change creates a premature translational stop signal (p.Thr484Serfs*25) in the AR gene. It is expected to result in an absent or disrupted protein product.

Literature cited by the submitters: PubMed 19463997.

NM_000044.6(AR):c.1451_1454del (p.Thr484fs)

Gene: AR (androgen receptor; plus strand). Cytogenetic location: Xq12.
Variant type: Deletion.
Coding change: c.1451_1454del on transcript NM_000044.6 (MANE Select); coding-DNA positions 1451 to 1454, 4 bases deleted (CTCG; older notation c.1451_1454delCTCG).
Protein change: p.Thr484fs; shifts the reading frame from threonine 484.
Molecular consequence: frameshift variant. On other transcripts: 5 prime UTR variant (1).
Genome position (GRCh38, 1-based): chrX:67,546,597-67,546,600, CTCG deleted. VCF-style (leftmost placement, unchanged base first): chrX-67546596-ACTCG-A. GRCh37 (hg19) VCF-style: chrX-66766438-ACTCG-A.
Other names: c.-333_-330del (NM_001011645.3); c.1451_1454del, p.Thr484fs (NM_001348061.1, NM_001348063.1, NM_001348064.1); short protein forms T484fs.
Identifiers: ClinVar variation 578606 (VCV000578606.9), dbSNP rs1569265331, ClinGen allele CA891844006.